The following is an entry in ClinVar:

ClinVar aggregate classification (germline): Uncertain significance (1 of 4 stars; one submission).

Conditions:
Developmental and epileptic encephalopathy, 37 (DEE37). Also called: Epileptic encephalopathy, early infantile, 37. Identifiers: MedGen C4310770, MONDO:0014859, OMIM 616981.

Submission:

Labcorp Genetics (formerly Invitae), Labcorp
Classification: Uncertain significance for Developmental and epileptic encephalopathy, 37. Last evaluated: 2018-11-21. Review status: criteria provided, single submitter. Criteria: Invitae Variant Classification Sherloc (09022015). Collection method: clinical testing. Allele origin: germline.
Comment: This variant has not been reported in the literature in individuals with FRRS1L-related conditions. This sequence change affects the initiator methionine of the FRRS1L mRNA. The next in-frame methionine is located at codon 52. The frequency data for this variant in the population databases is considered unreliable, as metrics indicate insufficient coverage at this position in the ExAC database. In summary, the available evidence is currently insufficient to determine the role of this variant in disease. Therefore, it has been classified as a Variant of Uncertain Significance.

NC_000009.12:g.109167290A>T

Gene: FRRS1L (ferric chelate reductase 1 like; minus strand). Cytogenetic location: 9q31.3.
Variant type: single nucleotide variant.
Genome position: GRCh38 VCF-style: chr9-109167290-A-T. GRCh37 (hg19) VCF-style: chr9-111929570-A-T.
Identifiers: ClinVar variation 652546 (VCV000652546.9), dbSNP rs1588106852, ClinGen allele CA374431257.